The following is an entry in ClinVar:

NM_001164508.2(NEB):c.13955T>C (p.Val4652Ala)

Gene: NEB (nebulin; minus strand). Cytogenetic location: 2q23.3.
Variant type: single nucleotide variant.
Coding change: c.13955T>C on transcript NM_001164508.2 (MANE Select); coding-DNA position 13955, T replaced by C.
Protein change: p.Val4652Ala; replaces valine 4652 with alanine.
Molecular consequence: missense variant. On other transcripts: intron variant (1).
Genome position (GRCh38, 1-based): chr2:151,597,964, A>G on the plus strand (T>C on the coding strand, the complement: NEB is on the minus strand). VCF-style: chr2-151597964-A-G. GRCh37 (hg19) VCF-style: chr2-152454478-A-G.
Other names: c.13955T>C, p.Val4652Ala (NM_001164507.2, NM_001271208.2); c.11601+11845T>C (NM_004543.5); short protein forms V4652A.
Identifiers: ClinVar variation 681815 (VCV000681815.1), dbSNP rs1578797641, ClinGen allele CA348767615.

ClinVar aggregate classification (germline): Likely benign (1 of 4 stars; one submission).

Submission:

GeneDx
Classification: Likely benign. Last evaluated: 2018-04-12. Review status: criteria provided, single submitter. Criteria: GeneDx Variant Classification (06012015). Collection method: clinical testing. Allele origin: germline. Affected: yes.
Comment: This variant is considered likely benign or benign based on one or more of the following criteria: it is a conservative change, it occurs at a poorly conserved position in the protein, it is predicted to be benign by multiple in silico algorithms, and/or has population frequency not consistent with disease.